The following is an entry in ClinVar:

NM_001211.6(BUB1B):c.172C>A (p.Gln58Lys)

Gene: BUB1B (BUB1 mitotic checkpoint serine/threonine kinase B; plus strand). Cytogenetic location: 15q15.1.
Variant type: single nucleotide variant.
Coding change: c.172C>A on transcript NM_001211.6 (MANE Select); coding-DNA position 172, C replaced by A.
Protein change: p.Gln58Lys; replaces glutamine 58 with lysine.
Molecular consequence: missense variant.
Genome position (GRCh38, 1-based): chr15:40,165,189, C>A. VCF-style: chr15-40165189-C-A. GRCh37 (hg19) VCF-style: chr15-40457390-C-A.
Other names: short protein forms Q58K.
Identifiers: ClinVar variation 1434521 (VCV001434521.10), dbSNP rs1308870659, ClinGen allele CA391677334.

ClinVar aggregate classification (germline): Uncertain significance. Review status: criteria provided, multiple submitters, no conflicts (2 of 4 stars). 3 submissions from 3 submitters: Uncertain significance (3). Last evaluated 2023-03-02.

Conditions:
Inborn genetic diseases. Identifiers: MedGen C0950123, MeSH D030342.
Mosaic variegated aneuploidy syndrome 1 (MVA1). Also called: Warburton-Anyane-Yeboa syndrome. Identifiers: Orphanet 1052, MedGen C1850343, MONDO:0009759, OMIM 257300.

Allele frequency attached by ClinVar (database versions not stated): gnomAD exomes below 0.00001.
gnomAD v4.1: 1 of 1,614,196 alleles (0.000062%); highest among the groups gnomAD compares: Non-Finnish European, 0.000085%; no homozygotes.

Submissions (3):

St. Jude Molecular Pathology, St. Jude Children's Research Hospital
Classification: Uncertain significance for Mosaic variegated aneuploidy syndrome 1. Last evaluated: 2023-03-02. Review status: criteria provided, single submitter. Criteria: St. Jude Assertion Criteria 2020. Collection method: clinical testing. Allele origin: germline.
Comment: The BUB1B c.172C>A (p.Gln58Lys) missense change has a maximum subpopulation frequency of 0.00088% in gnomAD v2.1.1. The in silico tool REVEL predicts a benign effect on protein function, but to our knowledge this prediction has not been confirmed by functional studies. To our knowledge, this variant has not been reported in individuals with mosaic variegated aneuploidy syndrome. In summary, the evidence currently available is insufficient to determine the role of this variant in mosaic variegated aneuploidy syndrome. It has therefore been classified as of uncertain significance.

Ambry Genetics
Classification: Uncertain significance for Inborn genetic diseases. Last evaluated: 2022-06-17. Review status: criteria provided, single submitter. Criteria: Ambry Variant Classification Scheme 2023. Collection method: clinical testing. Allele origin: germline.
Comment: The p.Q58K variant (also known as c.172C>A), located in coding exon 2 of the BUB1B gene, results from a C to A substitution at nucleotide position 172. The glutamine at codon 58 is replaced by lysine, an amino acid with similar properties. This amino acid position is conserved. In addition, this alteration is predicted to be tolerated by in silico analysis. Since supporting evidence is limited at this time, the clinical significance of this alteration remains unclear.

Labcorp Genetics (formerly Invitae), Labcorp
Classification: Uncertain significance for Mosaic variegated aneuploidy syndrome 1. Last evaluated: 2022-03-24. Review status: criteria provided, single submitter. Criteria: Invitae Variant Classification Sherloc (09022015). Collection method: clinical testing. Allele origin: germline.
Comment: In summary, the available evidence is currently insufficient to determine the role of this variant in disease. Therefore, it has been classified as a Variant of Uncertain Significance. Algorithms developed to predict the effect of missense changes on protein structure and function (SIFT, PolyPhen-2, Align-GVGD) all suggest that this variant is likely to be tolerated. This variant has not been reported in the literature in individuals affected with BUB1B-related conditions. This variant is present in population databases (no rsID available, gnomAD 0.0009%). This sequence change replaces glutamine, which is neutral and polar, with lysine, which is basic and polar, at codon 58 of the BUB1B protein (p.Gln58Lys).